The following is an entry in ClinVar:

ClinVar aggregate classification (germline): Uncertain significance (1 of 4 stars; one submission).

Conditions:
Inborn genetic diseases. Identifiers: MedGen C0950123, MeSH D030342.

Submission:

Ambry Genetics
Classification: Uncertain significance for Inborn genetic diseases. Last evaluated: 2021-10-29. Review status: criteria provided, single submitter. Criteria: Ambry Variant Classification Scheme 2023. Collection method: clinical testing. Allele origin: germline.
Comment: The p.R175C variant (also known as c.523C>T), located in coding exon 3 of the ACD gene, results from a C to T substitution at nucleotide position 523. The arginine at codon 175 is replaced by cysteine, an amino acid with highly dissimilar properties. This amino acid position is conserved. In addition, this alteration is predicted to be tolerated by in silico analysis. Since supporting evidence is limited at this time, the clinical significance of this alteration remains unclear.

NM_001082486.2(ACD):c.265C>T (p.Arg89Cys)

Gene: ACD (ACD shelterin complex subunit and telomerase recruitment factor; minus strand). Cytogenetic location: 16q22.1.
Variant type: single nucleotide variant.
Coding change: c.265C>T on transcript NM_001082486.2 (MANE Select); coding-DNA position 265, C replaced by T.
Protein change: p.Arg89Cys; replaces arginine 89 with cysteine.
Molecular consequence: missense variant.
Genome position (GRCh38, 1-based): chr16:67,659,773, G>A on the plus strand (C>T on the coding strand, the complement: ACD is on the minus strand). VCF-style: chr16-67659773-G-A. GRCh37 (hg19) VCF-style: chr16-67693676-G-A.
Other names: c.265C>T, p.Arg89Cys (NM_001410884.1); c.256C>T, p.Arg86Cys (NM_022914.3); short protein forms R89C, R86C.
Identifiers: ClinVar variation 1746281 (VCV001746281.2), dbSNP rs2543609231, ClinGen allele CA396356108.
Genomic context (GRCh38, chr16:67,659,773, plus strand): 5'-CAGCGACCTGGACATGAACCCCGCAGTCCTGCAGCAGCAGCAGCCGGCCCTCTGTCCCGC[G>A]GAAGCCGAACTCCTTCTCCTCCCTGCAACAAGCAGGATCCTCACTGCCGGGCCCACCTGA-3'
Protein context (NP_001075955.2, residues 79-99): SDWEEKEFGF[Arg89Cys]GTEGRLLLLQ